The following is an entry in ClinVar:

NM_003243.5(TGFBR3):c.2329C>T (p.Pro777Ser)

Gene: TGFBR3 (transforming growth factor beta receptor 3; minus strand). Cytogenetic location: 1p22.1.
Variant type: single nucleotide variant.
Coding change: c.2329C>T on transcript NM_003243.5 (MANE Select); coding-DNA position 2329, C replaced by T.
Protein change: p.Pro777Ser; replaces proline 777 with serine.
Molecular consequence: missense variant. On other transcripts: non-coding transcript variant (1).
Genome position (GRCh38, 1-based): chr1:91,698,089, G>A on the plus strand (C>T on the coding strand, the complement: TGFBR3 is on the minus strand). VCF-style: chr1-91698089-G-A. GRCh37 (hg19) VCF-style: chr1-92163646-G-A.
Other names: c.2326C>T, p.Pro776Ser (NM_001195683.2, NM_001195684.1); short protein forms P776S, P777S.
Identifiers: ClinVar variation 547818 (VCV000547818.26), dbSNP rs2228363, ClinGen allele CA947575.

ClinVar aggregate classification (germline): Benign/Likely benign. Review status: criteria provided, multiple submitters, no conflicts (2 of 4 stars). 4 submissions from 4 submitters: Benign (1); Likely benign (2). 1 of the submissions does not count toward it. Last evaluated 2025-07-01.

Conditions:
TGFBR3-related disorder. Also called: TGFBR3-related condition.
Familial thoracic aortic aneurysm and aortic dissection (TAAD). Also called: Thoracic aortic aneurysms and dissections. Identifiers: Orphanet 91387, MedGen C4707243, MONDO:0019625.

Allele frequency attached by ClinVar (database versions not stated): 1000 Genomes Project 30x 0.00375; 1000 Genomes Project 0.00419; ExAC 0.00663; gnomAD exomes 0.00667 and 0.01053; ESP Exome Variant Server 0.00853; gnomAD 0.00692 and 0.00708; TOPMed 0.00765.
gnomAD v4.1: 16,389 of 1,613,536 alleles (1%); highest among the groups gnomAD compares: Non-Finnish European, 1.3%; 109 homozygotes.

Submissions (4):

CeGaT Center for Human Genetics Tuebingen
Classification: Benign. Last evaluated: 2025-07-01. Review status: criteria provided, single submitter. Criteria: CeGaT Center For Human Genetics Tuebingen Variant Classification Criteria Version 2. Collection method: clinical testing. Allele origin: germline. Affected: yes. Observed: 7 variant alleles.
Comment: TGFBR3: BP4, BS1, BS2

Center for Human Genetics, Inc
Classification: Likely benign for Familial thoracic aortic aneurysm and aortic dissection. Last evaluated: 2016-11-01. Review status: criteria provided, single submitter. Criteria: ACMG Guidelines, 2015. Collection method: clinical testing. Allele origin: germline. Affected: yes.

Breakthrough Genomics
Classification: Likely benign. Review status: criteria provided, single submitter. Criteria: ACMG Guidelines, 2015. Collection method: not provided. Allele origin: germline. Inheritance: Unknown mechanism. Affected: yes.

PreventionGenetics, part of Exact Sciences
Classification: Likely benign for TGFBR3-related condition. Last evaluated: 2019-02-20. Review status: no assertion criteria provided. Collection method: clinical testing. Allele origin: germline. Not counted in ClinVar's aggregate classification.
Comment: This variant is classified as likely benign based on ACMG/AMP sequence variant interpretation guidelines (Richards et al. 2015 PMID: 25741868, with internal and published modifications).